The following is an entry in ClinVar:

NM_001127208.3(TET2):c.2642G>A (p.Arg881Lys)

Genes: TET2-AS1 (TET2 antisense RNA 1; minus strand), TET2 (tet methylcytosine dioxygenase 2; plus strand). Cytogenetic location: 4q24.
Variant type: single nucleotide variant.
Coding change: c.2642G>A on transcript NM_001127208.3 (MANE Select); coding-DNA position 2642, G replaced by A.
Protein change: p.Arg881Lys; replaces arginine 881 with lysine.
Molecular consequence: missense variant.
Genome position (GRCh38, 1-based): chr4:105,236,584, G>A. VCF-style: chr4-105236584-G-A. GRCh37 (hg19) VCF-style: chr4-106157741-G-A.
Other names: c.2642G>A, p.Arg881Lys (NM_017628.4); short protein forms R881K.
Identifiers: ClinVar variation 4731954 (VCV004731954.1).
Genomic context (GRCh38, chr4:105,236,584, plus strand): 5'-ACTTGCATCACATGCAATATTTTCCAAATAATGTGATCCCAAAGCAAGATCTTCTTCACA[G>A]GTGCTTTCAAGAACAGGAGCAGAAGTCACAACAAGCTTCAGTTCTACAGGGATATAAAAA-3'
Protein context (NP_001120680.1, residues 871-891): NVIPKQDLLH[Arg881Lys]CFQEQEQKSQ

ClinVar aggregate classification (germline): Uncertain significance (1 of 4 stars; one submission).

Submission:

Labcorp Genetics (formerly Invitae), Labcorp
Classification: Uncertain significance. Last evaluated: 2025-11-25. Review status: criteria provided, single submitter. Criteria: Invitae Variant Classification Sherloc (09022015). Collection method: clinical testing. Allele origin: germline.
Comment: This sequence change replaces arginine, which is basic and polar, with lysine, which is basic and polar, at codon 881 of the TET2 protein (p.Arg881Lys). This variant is not present in population databases (gnomAD no frequency). This variant has not been reported in the literature in individuals affected with TET2-related conditions. An algorithm developed to predict the effect of missense changes on protein structure and function (PolyPhen-2) suggests that this variant is likely to be tolerated. In summary, the available evidence is currently insufficient to determine the role of this variant in disease. Therefore, it has been classified as a Variant of Uncertain Significance.